The following is an entry in ClinVar:

ClinVar aggregate classification (germline): Likely pathogenic (0 of 4 stars; one submission).

Conditions:
Malignant tumor of breast. Also called: Malignant breast neoplasm; Cancer breast. Identifiers: MedGen C0006142, MONDO:0007254. Disease mechanism: loss of function.

Submission:

Department of Pathology and Laboratory Medicine, Sinai Health System
Classification: Likely pathogenic for Malignant tumor of breast. Review status: no assertion criteria provided. Collection method: clinical testing. Allele origin: unknown. Affected: yes. Study: The Canadian Open Genetics Repository (COGR).
Comment: The PMS2 c.904-?_1144+?del variant (chr:7 g. 5996040_5998220del GRCh37) results in a deletion of exons 9-10, although the precise breakpoints of this deletion were not determined, nor were the effects of this variant on the resulting mRNA or protein product determined. The variant was identified in 1 of 290 proband chromosomes (frequency: 0.003) from individuals or families with ascending colon (Vaughn 2010). The variant was not identified in dbSNP, ClinVar, ClinVar, Genesight-COGR, Insight Colon Cancer Gene Variant Database, Zhejiang Colon Cancer Database, Mismatch Repair Genes Variant Database, Insight Hereditary Tumors Database, databases. The variant was not identified in the 1000 Genomes Project, the NHLBI GO Exome Sequencing Project or the Exome Aggregation Consortium (August 8th 2016) control databases. The c.904-?_1144+?del variant is predicted to cause a frameshift, which alters the protein's amino acid sequence beginning at codon 303. This alteration is then predicted to result in a truncated or absent protein and loss of function. Loss of function variants of the PMS2 gene are an established mechanism of disease in Lynch syndrome and is the type of variant expected to cause the disorder. In summary, based on the above information, the clinical significance of this variant cannot be determined with certainty at this time although we would lean towards a more pathogenic role for this variant. This variant is classified as likely pathogenic.

NM_000535.7(PMS2):c.989-85_1144+3del

Gene: PMS2 (PMS1 homolog 2, mismatch repair system component; minus strand). Cytogenetic location: 7p22.1.
Variant type: Deletion.
Coding change: c.989-85_1144+3del on transcript NM_000535.7 (MANE Select); 85 bases into the intron before coding-DNA position 989 through 3 bases into the intron after coding-DNA position 1144, 244 bases deleted.
Molecular consequence: splice acceptor variant, splice donor variant. On other transcripts: intron variant (2).
Genome position (GRCh38, 1-based): chr7:5,989,797-5,990,040, 244 bases deleted. GRCh37 (hg19): chr7:6,029,429-6,029,672.
Other names: c.988+1933_988+2176del (NM_001322006.2); c.989-85_1144+3del (NM_001322014.2); c.584-85_739+3del (NM_001322009.2, NM_001322005.2, NM_001322004.2 and 1 more transcripts); c.671-85_826+3del (NM_001322008.2, NM_001322007.2); c.583+1933_583+2176del (NM_001322010.2); c.416-85_571+3del (NM_001322013.2); c.56-85_211+3del (NM_001322012.2, NM_001322011.2); c.680-85_835+3del (NM_001322015.2).
Identifiers: ClinVar variation 1050544 (VCV001050544.2), dbSNP rs2128746806, ClinGen allele CA2499218966.